The following is an entry in ClinVar:

NM_001012339.3(DNAJC21):c.706G>A (p.Glu236Lys)

Gene: DNAJC21 (DnaJ heat shock protein family (Hsp40) member C21; plus strand). Cytogenetic location: 5p13.2.
Variant type: single nucleotide variant.
Coding change: c.706G>A on transcript NM_001012339.3 (MANE Select); coding-DNA position 706, G replaced by A.
Protein change: p.Glu236Lys; replaces glutamic acid 236 with lysine.
Molecular consequence: missense variant.
Genome position (GRCh38, 1-based): chr5:34,937,593, G>A. VCF-style: chr5-34937593-G-A. GRCh37 (hg19) VCF-style: chr5-34937698-G-A.
Other names: c.706G>A, p.Glu236Lys (NM_001348420.2, NM_194283.4); short protein forms E236K.
Identifiers: ClinVar variation 1507358 (VCV001507358.6), dbSNP rs758392850, ClinGen allele CA3228529.

ClinVar aggregate classification (germline): Uncertain significance (1 of 4 stars; one submission).

Allele frequency attached by ClinVar (database versions not stated): gnomAD exomes 0.00001 and 0.00002; TOPMed 0.00001; ExAC 0.00002; gnomAD 0.00002.
gnomAD v4.1: 15 of 1,613,482 alleles (0.00093%); highest among the groups gnomAD compares: African/African-American, 0.0027%; no homozygotes.

Submission:

Labcorp Genetics (formerly Invitae), Labcorp
Classification: Uncertain significance. Last evaluated: 2025-06-02. Review status: criteria provided, single submitter. Criteria: Invitae Variant Classification Sherloc (09022015). Collection method: clinical testing. Allele origin: germline.
Comment: This sequence change replaces glutamic acid, which is acidic and polar, with lysine, which is basic and polar, at codon 236 of the DNAJC21 protein (p.Glu236Lys). This variant is present in population databases (rs758392850, gnomAD 0.01%). This variant has not been reported in the literature in individuals affected with DNAJC21-related conditions. ClinVar contains an entry for this variant (Variation ID: 1507358). An algorithm developed to predict the effect of missense changes on protein structure and function (PolyPhen-2) suggests that this variant is likely to be tolerated. In summary, the available evidence is currently insufficient to determine the role of this variant in disease. Therefore, it has been classified as a Variant of Uncertain Significance.